The following is an entry in ClinVar:

ClinVar aggregate classification (germline): Uncertain significance. Review status: criteria provided, multiple submitters, no conflicts (2 of 4 stars). 2 submissions from 2 submitters: Uncertain significance (2). Last evaluated 2025-08-29.

Conditions:
Arrhythmogenic right ventricular dysplasia 11. Also called: Arrhythmogenic right ventricular dysplasia 11 with mild palmoplantar keratoderma and woolly hair; Arrhythmogenic Right Ventricular Dysplasia/Cardiomyopathy11; ARRHYTHMOGENIC RIGHT VENTRICULAR DYSPLASIA, FAMILIAL, 11. Identifiers: MedGen C1864850, MONDO:0012506, OMIM 610476.

Allele frequency attached by ClinVar (database versions not stated): TOPMed below 0.00001.

Submissions (2):

Labcorp Genetics (formerly Invitae), Labcorp
Classification: Uncertain significance for Arrhythmogenic right ventricular dysplasia 11. Last evaluated: 2025-08-29. Review status: criteria provided, single submitter. Criteria: Invitae Variant Classification Sherloc (09022015). Collection method: clinical testing. Allele origin: germline.
Comment: This sequence change replaces methionine, which is neutral and non-polar, with threonine, which is neutral and polar, at codon 144 of the DSC2 protein (p.Met144Thr). This variant is not present in population databases (gnomAD no frequency). This variant has not been reported in the literature in individuals affected with DSC2-related conditions. ClinVar contains an entry for this variant (Variation ID: 199760). Invitae Evidence Modeling of protein sequence and biophysical properties (such as structural, functional, and spatial information, amino acid conservation, physicochemical variation, residue mobility, and thermodynamic stability) indicates that this missense variant is not expected to disrupt DSC2 protein function with a negative predictive value of 80%. In summary, the available evidence is currently insufficient to determine the role of this variant in disease. Therefore, it has been classified as a Variant of Uncertain Significance.

GeneDx
Classification: Uncertain significance. Last evaluated: 2012-12-18. Review status: criteria provided, single submitter. Criteria: GeneDx Variant Classification (06012015). Collection method: clinical testing. Allele origin: germline. Affected: yes.
Comment: p.Met144Thr (ATG>ACG): c.431 T>C in exon 4 of the DSC2 gene (NM_024422.3)The Met144Thr variant in the DSC2 gene has not been reported as a disease-causing mutation or as a benign polymorphism to our knowledge. Met144Thr results in a non-conservative amino acid substitution of a nonpolar Methionine with a polar Threonine at a position that is not well conserved in other species. Only one nearby mutation (Gly150Ala) has been reported in association with ARVC (Christensen A et al., 2010). However, the Met144Thr variant is not present in the 1000 Genomes database (Kersey P et al., 2010) and the NHLBI ESP Exome Variant Server reports Met144Thr was not observed in approximately 6000 samples from individuals of European and African American backgrounds, indicating it is not a common benign variant in these populations.With the clinical and molecular information available at this time, we cannot definitively determine if Met144Thr is a disease-causing mutation or a rare benign variant. This result cannot be interpreted for diagnosis or used for family member screening at this time. The variant is found in ARVC panel(s).

NM_024422.6(DSC2):c.431T>C (p.Met144Thr)

Gene: DSC2 (desmocollin 2; minus strand). Cytogenetic location: 18q12.1.
Variant type: single nucleotide variant.
Coding change: c.431T>C on transcript NM_024422.6 (MANE Select); coding-DNA position 431, T replaced by C.
Protein change: p.Met144Thr; replaces methionine 144 with threonine.
Molecular consequence: missense variant.
Genome position (GRCh38, 1-based): chr18:31,091,071, A>G on the plus strand (T>C on the coding strand, the complement: DSC2 is on the minus strand). VCF-style: chr18-31091071-A-G. GRCh37 (hg19) VCF-style: chr18-28671034-A-G.
Other names: p.M144T:ATG>ACG; c.431T>C, p.Met144Thr (NM_004949.5); short protein forms M144T.
Identifiers: ClinVar variation 199760 (VCV000199760.3), dbSNP rs794728065, ClinGen allele CA022839.